The following is an entry in ClinVar:

NM_000038.6(APC):c.1234C>T (p.Gln412Ter)

Gene: APC (APC regulator of Wnt signaling pathway; plus strand). Cytogenetic location: 5q22.2.
Variant type: single nucleotide variant.
Coding change: c.1234C>T on transcript NM_000038.6 (MANE Select); coding-DNA position 1234, C replaced by T.
Protein change: p.Gln412Ter; replaces glutamine 412 with a stop codon.
Molecular consequence: nonsense. On other transcripts: intron variant (4).
Genome position (GRCh38, 1-based): chr5:112,819,266, C>T. VCF-style: chr5-112819266-C-T. GRCh37 (hg19) VCF-style: chr5-112154963-C-T.
Other names: c.1234C>T, p.Gln412Ter (NM_001127510.3, NM_001354895.2, NM_001354896.2); c.1180C>T, p.Gln394Ter (NM_001127511.3); c.1264C>T, p.Gln422Ter (NM_001354897.2); c.1159C>T, p.Gln387Ter (NM_001354898.2); c.1150C>T, p.Gln384Ter (NM_001354899.2); c.1057C>T, p.Gln353Ter (NM_001354900.2, NM_001354901.2); c.385C>T, p.Gln129Ter (NM_001354906.2); c.964-3C>T (NM_001354902.2); and 3 more; short protein forms Q394*, Q412*, Q129*, Q353*, Q387*, Q384*, Q422*.
Identifiers: ClinVar variation 234024 (VCV000234024.16), dbSNP rs876660802, ClinGen allele CA10578310.

ClinVar aggregate classification (germline): Pathogenic. Review status: criteria provided, multiple submitters, no conflicts (2 of 4 stars). 4 submissions from 4 submitters: Pathogenic (4). Last evaluated 2023-04-28.

Conditions:
Familial adenomatous polyposis 1 (FAP1). Also called: FAMILIAL ADENOMATOUS POLYPOSIS 1, ATTENUATED; POLYPOSIS, ADENOMATOUS INTESTINAL. Identifiers: MedGen C2713442, MONDO:0021056, OMIM 175100. Disease mechanism: loss of function.
Hereditary cancer-predisposing syndrome. Also called: Neoplastic Syndromes, Hereditary; Tumor predisposition; Hereditary Cancer Syndrome; Hereditary neoplastic syndrome. Identifiers: Orphanet 140162, MedGen C0027672, MeSH D009386, MONDO:0015356.

Submissions (4):

Myriad Genetics, Inc.
Classification: Pathogenic for Familial adenomatous polyposis 1. Last evaluated: 2023-04-28. Review status: criteria provided, single submitter. Criteria: Myriad Autosomal Dominant, Autosomal Recessive and X-Linked Classification Criteria (2023). Collection method: clinical testing. Allele origin: unknown.
Comment: This variant is considered pathogenic. This variant creates a termination codon and is predicted to result in premature protein truncation.

Labcorp Genetics (formerly Invitae), Labcorp
Classification: Pathogenic for Familial adenomatous polyposis 1. Last evaluated: 2022-06-12. Review status: criteria provided, single submitter. Criteria: Invitae Variant Classification Sherloc (09022015). Collection method: clinical testing. Allele origin: germline.
Comment: For these reasons, this variant has been classified as Pathogenic. ClinVar contains an entry for this variant (Variation ID: 234024). This variant has not been reported in the literature in individuals affected with APC-related conditions. This variant is not present in population databases (gnomAD no frequency). This sequence change creates a premature translational stop signal (p.Gln412*) in the APC gene. It is expected to result in an absent or disrupted protein product. Loss-of-function variants in APC are known to be pathogenic (PMID: 17963004, 20685668).

Ambry Genetics
Classification: Pathogenic for Hereditary cancer-predisposing syndrome. Last evaluated: 2022-02-15. Review status: criteria provided, single submitter. Criteria: Ambry Variant Classification Scheme 2023. Collection method: clinical testing. Allele origin: germline.
Comment: The p.Q412* pathogenic mutation (also known as c.1234C>T), located in coding exon 9 of the APC gene, results from a C to T substitution at nucleotide position 1234. This changes the amino acid from a glutamine to a stop codon within coding exon 9. This mutation was previously reported in an individual with attenuated familial adenomatous polyposis (Fostira and Yannoukakos Fam Cancer. 2010; 9:395-400). In a large (n=1591) series of patients referred for APC testing, this alteration was detected in 4 individuals (Kerr SE et al. J Mol Diagn, 2013 Jan;15:31-43). This variant is considered to be rare based on population cohorts in the Genome Aggregation Database (gnomAD). This alteration is expected to result in loss of function by premature protein truncation or nonsense-mediated mRNA decay. As such, this alteration is interpreted as a disease-causing mutation.

Baylor Genetics
Classification: Pathogenic for Familial adenomatous polyposis 1. Last evaluated: 2021-08-23. Review status: criteria provided, single submitter. Criteria: ACMG Guidelines, 2015. Collection method: clinical testing. Allele origin: unknown.

Literature cited by the submitters: PubMed 17963004 (cited by Labcorp Genetics (formerly Invitae), Labcorp); PubMed 20685668 (cited by Labcorp Genetics (formerly Invitae), Labcorp); PubMed 20033787 (cited by Ambry Genetics); PubMed 23159591 (cited by Ambry Genetics).